The following is an entry in ClinVar:

ClinVar aggregate classification (germline): Uncertain significance (1 of 4 stars; one submission).

gnomAD v4.1: 1 of 1,551,934 alleles (0.000064%); highest among the groups gnomAD compares: Non-Finnish European, 0.000087%; no homozygotes.

Submission:

Labcorp Genetics (formerly Invitae), Labcorp
Classification: Uncertain significance. Last evaluated: 2024-04-16. Review status: criteria provided, single submitter. Criteria: Invitae Variant Classification Sherloc (09022015). Collection method: clinical testing. Allele origin: germline.
Comment: This sequence change replaces threonine, which is neutral and polar, with alanine, which is neutral and non-polar, at codon 1475 of the UNC80 protein (p.Thr1475Ala). This variant is not present in population databases (gnomAD no frequency). This variant has not been reported in the literature in individuals affected with UNC80-related conditions. ClinVar contains an entry for this variant (Variation ID: 1515936). Advanced modeling of protein sequence and biophysical properties (such as structural, functional, and spatial information, amino acid conservation, physicochemical variation, residue mobility, and thermodynamic stability) performed at Invitae indicates that this missense variant is not expected to disrupt UNC80 protein function with a negative predictive value of 80%. In summary, the available evidence is currently insufficient to determine the role of this variant in disease. Therefore, it has been classified as a Variant of Uncertain Significance.

NM_001371986.1(UNC80):c.4621A>G (p.Thr1541Ala)

Gene: UNC80 (unc-80 subunit of NALCN channel complex; plus strand). Cytogenetic location: 2q34.
Variant type: single nucleotide variant.
Coding change: c.4621A>G on transcript NM_001371986.1 (MANE Select); coding-DNA position 4621, A replaced by G.
Protein change: p.Thr1541Ala; replaces threonine 1541 with alanine.
Molecular consequence: missense variant.
Genome position (GRCh38, 1-based): chr2:209,904,804, A>G. VCF-style: chr2-209904804-A-G. GRCh37 (hg19) VCF-style: chr2-210769528-A-G.
Other names: c.4423A>G, p.Thr1475Ala (NM_032504.2); c.4408A>G, p.Thr1470Ala (NM_182587.4); short protein forms T1541A, T1470A, T1475A.
Identifiers: ClinVar variation 1515936 (VCV001515936.8), dbSNP rs2087975162, ClinGen allele CA350754937.